The following is an entry in ClinVar:

NM_004924.6(ACTN4):c.2563T>C (p.Leu855=)

Gene: ACTN4 (actinin alpha 4; plus strand). Cytogenetic location: 19q13.2.
Variant type: single nucleotide variant.
Coding change: c.2563T>C on transcript NM_004924.6 (MANE Select); coding-DNA position 2563, T replaced by C.
Protein change: p.Leu855=; no amino-acid change (leucine 855 retained).
Molecular consequence: synonymous variant.
Genome position (GRCh38, 1-based): chr19:38,729,140, T>C. VCF-style: chr19-38729140-T-C. GRCh37 (hg19) VCF-style: chr19-39219780-T-C.
Other names: p.Leu855=; c.2548T>C, p.Leu850= (NM_001322033.2).
Identifiers: ClinVar variation 259576 (VCV000259576.18), dbSNP rs1136956, ClinGen allele CA9418080.

ClinVar aggregate classification (germline): Benign. Review status: criteria provided, multiple submitters, no conflicts (2 of 4 stars). 9 submissions from 9 submitters: Benign (9). Last evaluated 2026-02-01.

Conditions:
Focal segmental glomerulosclerosis 1 (FSGS1). Identifiers: Orphanet 656, MedGen C4551527, MONDO:0011303, OMIM 603278.

Allele frequency attached by ClinVar (database versions not stated): 1000 Genomes Project 30x 0.18707; 1000 Genomes Project 0.18750; gnomAD 0.20720 and 0.20806; TOPMed 0.20782; ESP Exome Variant Server 0.21375; gnomAD exomes 0.22189 and 0.23857; ExAC 0.22481.
gnomAD v4.1: 380,107 of 1,612,768 alleles (24%); highest among the groups gnomAD compares: Middle Eastern, 40%; 46,915 homozygotes.

Submissions (9):

Labcorp Genetics (formerly Invitae), Labcorp
Classification: Benign. Last evaluated: 2026-02-01. Review status: criteria provided, single submitter. Criteria: Invitae Variant Classification Sherloc (09022015). Collection method: clinical testing. Allele origin: germline.

Blueprint Genetics
Classification: Benign. Last evaluated: 2024-11-28. Review status: criteria provided, single submitter. Criteria: ACMG Guidelines, 2015. Collection method: clinical testing. Allele origin: germline.

Unidad de Genómica Garrahan, Hospital de Pediatría Garrahan
Classification: Benign. Last evaluated: 2024-07-15. Review status: criteria provided, single submitter. Criteria: ACMG Guidelines, 2015. Collection method: clinical testing. Allele origin: germline. Affected: no. Observed: 37 variant alleles.
Comment: This variant is classified as Benign based on local population frequency. This variant was detected in 40% of patients studied in a panel designed for Epileptic and Developmental Encephalopathy and Progressive Myoclonus Epilepsy. Number of patients: 37. Only high quality variants are reported.

Mayo Clinic Laboratories, Mayo Clinic
Classification: Benign. Last evaluated: 2022-03-09. Review status: criteria provided, single submitter. Criteria: ACMG Guidelines, 2015. Collection method: clinical testing. Allele origin: germline. Observed: 55 variant alleles.

Genome-Nilou Lab
Classification: Benign for Focal segmental glomerulosclerosis 1. Last evaluated: 2021-07-14. Review status: criteria provided, single submitter. Criteria: ACMG Guidelines, 2015. Collection method: clinical testing. Allele origin: germline. Affected: no.

GeneDx
Classification: Benign. Last evaluated: 2018-07-05. Review status: criteria provided, single submitter. Criteria: GeneDx Variant Classification Process June 2021. Collection method: clinical testing. Allele origin: germline. Affected: yes.

Athena Diagnostics
Classification: Benign for Focal segmental glomerulosclerosis 1. Last evaluated: 2017-04-12. Review status: criteria provided, single submitter. Criteria: Athena Diagnostics Criteria. Collection method: clinical testing. Allele origin: germline.

Breakthrough Genomics
Classification: Benign. Review status: criteria provided, single submitter. Criteria: ACMG Guidelines, 2015. Collection method: not provided. Allele origin: germline. Inheritance: Autosomal dominant inheritance. Affected: yes.

PreventionGenetics, part of Exact Sciences
Classification: Benign. Review status: criteria provided, single submitter. Criteria: ACMG Guidelines, 2015. Collection method: clinical testing. Allele origin: germline.